The following is an entry in ClinVar:

NM_000238.4(KCNH2):c.918G>A (p.Gly306=)

Gene: KCNH2 (potassium voltage-gated channel subfamily H member 2; minus strand). Cytogenetic location: 7q36.1.
Variant type: single nucleotide variant.
Coding change: c.918G>A on transcript NM_000238.4 (MANE Select); coding-DNA position 918, G replaced by A.
Protein change: p.Gly306=; no amino-acid change (glycine 306 retained).
Molecular consequence: synonymous variant. On other transcripts: non-coding transcript variant (1).
Genome position (GRCh38, 1-based): chr7:150,957,501, C>T on the plus strand (G>A on the coding strand, the complement: KCNH2 is on the minus strand). VCF-style: chr7-150957501-C-T. GRCh37 (hg19) VCF-style: chr7-150654589-C-T.
Other names: c.630G>A, p.Gly210= (NM_001406753.1, NM_001406756.1); c.741G>A, p.Gly247= (NM_001406755.1); c.618G>A, p.Gly206= (NM_001406757.1); c.918G>A, p.Gly306= (NM_172056.3).
Identifiers: ClinVar variation 629675 (VCV000629675.14), dbSNP rs761554886, ClinGen allele CA040888.

ClinVar aggregate classification (germline): Likely benign. Review status: criteria provided, multiple submitters, no conflicts (2 of 4 stars). 4 submissions from 4 submitters: Likely benign (4). Last evaluated 2025-07-13.

Conditions:
Long QT syndrome (LQTS). Identifiers: MedGen C0023976, MeSH D008133, MONDO:0002442. Disease mechanism: loss of function. Inheritance: Various modes of inheritance.
Cardiovascular phenotype. Identifiers: MedGen CN230736.
Cardiac arrhythmia. Also called: Arrhythmia; Cardiac rhythm disease. Identifiers: MedGen C0003811, MONDO:0007263, HP:0011675.

Allele frequency attached by ClinVar (database versions not stated): TOPMed below 0.00001; ExAC 0.00001; gnomAD exomes 0.00002 and 0.00004.
gnomAD v4.1: 31 of 1,610,466 alleles (0.0019%); highest among the groups gnomAD compares: South Asian, 0.034%; no homozygotes.

Submissions (4):

Ambry Genetics
Classification: Likely benign for Cardiovascular phenotype. Last evaluated: 2025-07-13. Review status: criteria provided, single submitter. Criteria: Ambry Variant Classification Scheme 2023. Collection method: clinical testing. Allele origin: germline.

Labcorp Genetics (formerly Invitae), Labcorp
Classification: Likely benign for Long QT syndrome. Last evaluated: 2025-04-11. Review status: criteria provided, single submitter. Criteria: Invitae Variant Classification Sherloc (09022015). Collection method: clinical testing. Allele origin: germline.

All of Us Research Program, National Institutes of Health
Classification: Likely benign for Long QT syndrome. Last evaluated: 2023-06-08. Review status: criteria provided, single submitter. Criteria: ACMG Guidelines, 2015. Collection method: clinical testing. Allele origin: germline. Inheritance: Autosomal dominant inheritance. Observed: 1 variant allele, 1 heterozygote.
Comment: This study involves interpretation of variants in research participants for the purpose of population health screening. Participant phenotype was not available at the time of variant classification. Additional details can be found in publication PMID: 35346344, PMCID: PMC8962531

Color Diagnostics, LLC DBA Color Health
Classification: Likely benign for Arrhythmia. Last evaluated: 2018-10-18. Review status: criteria provided, single submitter. Criteria: ACMG Guidelines, 2015. Collection method: clinical testing. Allele origin: germline.